The following is an entry in ClinVar:

ClinVar aggregate classification (germline): Uncertain significance (1 of 4 stars; one submission).

Conditions:
Hereditary cancer-predisposing syndrome. Also called: Tumor predisposition; Neoplastic Syndromes, Hereditary; Hereditary Cancer Syndrome; Hereditary neoplastic syndrome. Identifiers: Orphanet 140162, MedGen C0027672, MeSH D009386, MONDO:0015356.

Submission:

Ambry Genetics
Classification: Uncertain significance for Hereditary cancer-predisposing syndrome. Last evaluated: 2024-12-20. Review status: criteria provided, single submitter. Criteria: Ambry Variant Classification Scheme 2023. Collection method: clinical testing. Allele origin: germline.
Comment: The p.V383G variant (also known as c.1148T>G), located in coding exon 1 of the MET gene, results from a T to G substitution at nucleotide position 1148. The valine at codon 383 is replaced by glycine, an amino acid with dissimilar properties. This amino acid position is conserved. In addition, this alteration is predicted to be tolerated by in silico analysis. Based on the available evidence, the clinical significance of this variant remains unclear.

NM_000245.4(MET):c.1148T>G (p.Val383Gly)

Gene: MET (MET proto-oncogene, receptor tyrosine kinase; plus strand). Cytogenetic location: 7q31.2.
Variant type: single nucleotide variant.
Coding change: c.1148T>G on transcript NM_000245.4 (MANE Select); coding-DNA position 1148, T replaced by G.
Protein change: p.Val383Gly; replaces valine 383 with glycine.
Molecular consequence: missense variant. On other transcripts: intron variant (1).
Genome position (GRCh38, 1-based): chr7:116,700,232, T>G. VCF-style: chr7-116700232-T-G. GRCh37 (hg19) VCF-style: chr7-116340286-T-G.
Other names: c.1148T>G, p.Val383Gly (NM_001127500.3, NM_001324401.3); c.-91+27655T>G (NM_001324402.2); short protein forms V383G.
Identifiers: ClinVar variation 3872353 (VCV003872353.1).